The following is an entry in ClinVar:

NM_000294.3(PHKG2):c.913dup (p.Arg305fs)

Gene: PHKG2 (phosphorylase kinase catalytic subunit gamma 2; plus strand). Cytogenetic location: 16p11.2.
Variant type: Duplication.
Coding change: c.913dup on transcript NM_000294.3 (MANE Select); coding-DNA position 913, one base duplicated (C; older notation c.913dupC).
Protein change: p.Arg305fs; shifts the reading frame from arginine 305.
Molecular consequence: frameshift variant.
Genome position (GRCh38, 1-based): chr16:30,756,701, C duplicated; the last of 6 consecutive C bases (chr16:30,756,696-30,756,701); duplicating any one gives the same sequence. VCF-style (leftmost placement, unchanged base first): chr16-30756695-A-AC. GRCh37 (hg19) VCF-style: chr16-30768016-A-AC.
Other names: c.913dup, p.Arg305fs (NM_001172432.2); short protein forms R305fs.
Identifiers: ClinVar variation 1483214 (VCV001483214.5), dbSNP rs2151310570, ClinGen allele CA2573152243.

ClinVar aggregate classification (germline): Uncertain significance (1 of 4 stars; one submission).

Conditions:
Glycogen storage disease IXc (GSD9C). Also called: GSD IXc. Identifiers: Orphanet 264580, MedGen C2751643, MONDO:0013091, OMIM 613027.

Submission:

Labcorp Genetics (formerly Invitae), Labcorp
Classification: Uncertain significance for Glycogen storage disease IXc. Last evaluated: 2024-10-03. Review status: criteria provided, single submitter. Criteria: Invitae Variant Classification Sherloc (09022015). Collection method: clinical testing. Allele origin: germline.
Comment: This sequence change creates a premature translational stop signal (p.Arg305Profs*84) in the PHKG2 gene. While this is not anticipated to result in nonsense mediated decay, it is expected to disrupt the last 102 amino acid(s) of the PHKG2 protein. This variant is not present in population databases (gnomAD no frequency). This variant has not been reported in the literature in individuals affected with PHKG2-related conditions. ClinVar contains an entry for this variant (Variation ID: 1483214). Experimental studies and prediction algorithms are not available or were not evaluated, and the functional significance of this variant is currently unknown. This variant disrupts the C-terminus of the PHKG2 protein. Other variant(s) that disrupt this region (p.Arg320*, p.Ser345*) have been observed in individuals with PHKG2-related conditions (PMID: 24102521, 32697758). This suggests that this may be a clinically significant region of the protein. In summary, the available evidence is currently insufficient to determine the role of this variant in disease. Therefore, it has been classified as a Variant of Uncertain Significance.

Literature cited by the submitters: PubMed 24102521; PubMed 32697758.